The following is an entry in ClinVar:

NM_000463.3(UGT1A1):c.931del (p.Val311fs)

Genes: UGT1A10 (UDP glucuronosyltransferase family 1 member A10; plus strand), UGT1A6 (UDP glucuronosyltransferase family 1 member A6; plus strand), UGT1A4 (UDP glucuronosyltransferase family 1 member A4; plus strand), UGT1A8 (UDP glucuronosyltransferase family 1 member A8; plus strand), UGT1A7 (UDP glucuronosyltransferase family 1 member A7; plus strand) and 5 more. Cytogenetic location: 2q37.1.
Variant type: Deletion.
Coding change: c.931del on transcript NM_000463.3 (MANE Select); coding-DNA position 931, one base deleted (G; older notation c.931delG).
Protein change: p.Val311fs; shifts the reading frame from valine 311.
Molecular consequence: frameshift variant.
Genome position (GRCh38, 1-based): chr2:233,767,100, G deleted; the last of 2 consecutive G bases (chr2:233,767,099-233,767,100); deleting either gives the same sequence. VCF-style (leftmost placement, unchanged base first): chr2-233767098-TG-T. GRCh37 (hg19) VCF-style: chr2-234675744-TG-T.
Other names: c.922del, p.Val308fs (NM_019075.4, NM_019076.5, NM_019077.3 and 1 more transcripts); c.928del, p.Val310fs (NM_001072.4); c.127del, p.Val43fs (NM_205862.3); c.934del, p.Val312fs (NM_019078.2, NM_007120.3, NM_019093.4); short protein forms V308fs, V310fs, V311fs, V312fs, V43fs.
Identifiers: ClinVar variation 1195873 (VCV001195873.2), dbSNP rs2126030394, ClinGen allele CA2499215799.

ClinVar aggregate classification (germline): Pathogenic (0 of 4 stars; one submission).

Conditions:
Crigler-Najjar syndrome type 1. Also called: HYPERBILIRUBINEMIA, CRIGLER-NAJJAR TYPE I. Identifiers: Orphanet 79234, MedGen C0010324, MONDO:0021020, OMIM 218800.

Submission:

Neonatal Research Center, Shiraz University of Medical Science
Classification: Pathogenic for Crigler-Najjar syndrome type 1. Review status: no assertion criteria provided. Collection method: research. Allele origin: germline. Affected: yes. Observed: 1 variant allele, 1 homozygote.
Comment: We identified a novel frameshift deletion variant (c.931delG; p.Val131SerfsTer54) in the second exon of the UGT1A1 gene in two patients in a family. The protein structure homology model showed that the c.931delG disrupt the reading frame of UGT1A1 gene and result in a truncated protein formation. Based on ACMG, the c.380_381insGG variant is pathogenic (PVS1, PS2, and PP4).